The following is an entry in ClinVar:

ClinVar aggregate classification (germline): Uncertain significance (1 of 4 stars; one submission).

Conditions:
Emery-Dreifuss muscular dystrophy (EDMD). Also called: Scapuloperoneal syndrome, X-linked (formerly); Humeroperoneal neuromuscular disease, (formerly). Identifiers: Orphanet 261, MedGen C0410189, MONDO:0016830.

Allele frequency attached by ClinVar (database versions not stated): gnomAD 0.00005; TOPMed 0.00007; ESP Exome Variant Server 0.00008.
gnomAD v4.1: 142 of 1,613,970 alleles (0.0088%); highest among the groups gnomAD compares: Non-Finnish European, 0.011%; no homozygotes.

Submission:

Labcorp Genetics (formerly Invitae), Labcorp
Classification: Uncertain significance for Emery-Dreifuss muscular dystrophy. Last evaluated: 2024-05-06. Review status: criteria provided, single submitter. Criteria: Invitae Variant Classification Sherloc (09022015). Collection method: clinical testing. Allele origin: germline.
Comment: This sequence change replaces lysine, which is basic and polar, with asparagine, which is neutral and polar, at codon 454 of the SUN1 protein (p.Lys454Asn). This variant is present in population databases (rs202122012, gnomAD 0.01%). This variant has not been reported in the literature in individuals affected with SUN1-related conditions. ClinVar contains an entry for this variant (Variation ID: 851034). An algorithm developed to predict the effect of missense changes on protein structure and function (PolyPhen-2) suggests that this variant is likely to be disruptive. In summary, the available evidence is currently insufficient to determine the role of this variant in disease. Therefore, it has been classified as a Variant of Uncertain Significance.

NM_001130965.3(SUN1):c.1362G>T (p.Lys454Asn)

Gene: SUN1 (Sad1 and UNC84 domain containing 1; plus strand). Cytogenetic location: 7p22.3.
Variant type: single nucleotide variant.
Coding change: c.1362G>T on transcript NM_001130965.3 (MANE Select); coding-DNA position 1362, G replaced by T.
Protein change: p.Lys454Asn; replaces lysine 454 with asparagine.
Molecular consequence: missense variant. On other transcripts: non-coding transcript variant (3).
Genome position (GRCh38, 1-based): chr7:856,369, G>T. VCF-style: chr7-856369-G-T. GRCh37 (hg19) VCF-style: chr7-896006-G-T.
Other names: c.1053G>T, p.Lys351Asn (NM_001171944.2); c.1362G>T, p.Lys454Asn (NM_001367633.1, NM_001367634.1, NM_001367653.1); c.1011G>T, p.Lys337Asn (NM_001367635.1); c.1602G>T, p.Lys534Asn (NM_001367636.1, NM_001367691.1); c.1470G>T, p.Lys490Asn (NM_001367638.1); c.903G>T, p.Lys301Asn (NM_001367639.1); c.1542G>T, p.Lys514Asn (NM_001367640.1); c.1644G>T, p.Lys548Asn (NM_001367641.1, NM_001367682.1); and 43 more; short protein forms K301N, K337N, K393N, K432N, K443N, K449N, K454N, K458N.
Identifiers: ClinVar variation 851034 (VCV000851034.9), dbSNP rs202122012, ClinGen allele CA4112181.